The following is an entry in ClinVar:

NM_022041.4(GAN):c.331C>T (p.Leu111=)

Gene: GAN (gigaxonin; plus strand). Cytogenetic location: 16q23.2.
Variant type: single nucleotide variant.
Coding change: c.331C>T on transcript NM_022041.4 (MANE Select); coding-DNA position 331, C replaced by T.
Protein change: p.Leu111=; no amino-acid change (leucine 111 retained).
Molecular consequence: synonymous variant. On other transcripts: 5 prime UTR variant (1).
Genome position (GRCh38, 1-based): chr16:81,354,453, C>T. VCF-style: chr16-81354453-C-T. GRCh37 (hg19) VCF-style: chr16-81388058-C-T.
Other names: p.Leu111=; c.-309C>T (NM_001377486.1); c.331C>T (NM_022041.3).
Identifiers: ClinVar variation 1121662 (VCV001121662.10), dbSNP rs765503261, ClinGen allele CA8191350.

ClinVar aggregate classification (germline): Likely benign. Review status: criteria provided, multiple submitters, no conflicts (2 of 4 stars). 2 submissions from 2 submitters: Likely benign (2). Last evaluated 2025-11-27.

Conditions:
Giant axonal neuropathy 1 (GAN1). Also called: GAN-Related Neurodegeneration; GIANT AXONAL NEUROPATHY 1, AUTOSOMAL RECESSIVE. Identifiers: Orphanet 643, MedGen C1850386, MONDO:0009749, OMIM 256850.

Allele frequency attached by ClinVar (database versions not stated): gnomAD exomes below 0.00001; ExAC 0.00001; TOPMed 0.00002.
gnomAD v4.1: 6 of 1,613,788 alleles (0.00037%); highest among the groups gnomAD compares: African/African-American, 0.008%; no homozygotes.

Submissions (2):

Mayo Clinic Laboratories, Mayo Clinic
Classification: Likely benign. Last evaluated: 2025-11-27. Review status: criteria provided, single submitter. Criteria: ACMG Guidelines, 2015. Collection method: clinical testing. Allele origin: germline. Observed: 1 variant allele.
Comment: BP4, BP7

Labcorp Genetics (formerly Invitae), Labcorp
Classification: Likely benign for Giant axonal neuropathy 1. Last evaluated: 2023-11-24. Review status: criteria provided, single submitter. Criteria: Invitae Variant Classification Sherloc (09022015). Collection method: clinical testing. Allele origin: germline.